The following is an entry in ClinVar:

ClinVar aggregate classification (germline): Uncertain significance (1 of 4 stars; one submission).

gnomAD v4.1: 1 of 1,613,052 alleles (0.000062%); no homozygotes.

Submission:

GeneDx
Classification: Uncertain significance. Last evaluated: 2019-09-19. Review status: criteria provided, single submitter. Criteria: GeneDx Variant Classification Process June 2021. Collection method: clinical testing. Allele origin: germline. Affected: yes.
Comment: Not observed in large population cohorts (Lek et al., 2016); In silico analysis, which includes protein predictors and evolutionary conservation, supports a deleterious effect; Has not been previously published as pathogenic or benign to our knowledge

NM_000093.5(COL5A1):c.1628A>G (p.Glu543Gly)

Gene: COL5A1 (collagen type V alpha 1 chain; plus strand). Cytogenetic location: 9q34.3.
Variant type: single nucleotide variant.
Coding change: c.1628A>G on transcript NM_000093.5 (MANE Select); coding-DNA position 1628, A replaced by G.
Protein change: p.Glu543Gly; replaces glutamic acid 543 with glycine.
Molecular consequence: missense variant.
Genome position (GRCh38, 1-based): chr9:134,750,848, A>G. VCF-style: chr9-134750848-A-G. GRCh37 (hg19) VCF-style: chr9-137642694-A-G.
Other names: c.1628A>G, p.Glu543Gly (NM_001278074.1); short protein forms E543G.
Identifiers: ClinVar variation 1318906 (VCV001318906.2), dbSNP rs2132683265, ClinGen allele CA375444063.
Genomic context (GRCh38, chr9:134,750,848, plus strand): 5'-AGTTCCGGTTTGGAGGTGGCGGCGATGCGGGCTCCAAAGGCCCCATGGTCTCAGCCCAGG[A>G]GTCCCAGGCGCAAGCCATTCTCCAGCAGGCCAGGGTGAGTACTGCTGGGTCCCAAGAGGC-3'
Protein context (NP_000084.3, residues 533-553): GSKGPMVSAQ[Glu543Gly]SQAQAILQQA